The following is an entry in ClinVar:

ClinVar aggregate classification (germline): Pathogenic (1 of 4 stars; one submission).

Conditions:
Multiple endocrine neoplasia type 4. Also called: MULTIPLE ENDOCRINE NEOPLASIA, TYPE IV. Identifiers: Orphanet 276152, MedGen C1970712, MONDO:0012552, OMIM 610755.

Submission:

Labcorp Genetics (formerly Invitae), Labcorp
Classification: Pathogenic for Multiple endocrine neoplasia type 4. Last evaluated: 2020-09-13. Review status: criteria provided, single submitter. Criteria: Invitae Variant Classification Sherloc (09022015). Collection method: clinical testing. Allele origin: germline.
Comment: For these reasons, this variant has been classified as Pathogenic. Loss-of-function variants in CDKN1B are known to be pathogenic (PMID: 17030811, 24819502). This variant has not been reported in the literature in individuals with CDKN1B-related conditions. This variant is not present in population databases (ExAC no frequency). This sequence change creates a premature translational stop signal (p.Lys59Serfs*12) in the CDKN1B gene. It is expected to result in an absent or disrupted protein product.

Literature cited by the submitters: PubMed 17030811; PubMed 24819502.

NM_004064.5(CDKN1B):c.174del (p.Lys59fs)

Gene: CDKN1B (cyclin dependent kinase inhibitor 1B; plus strand). Cytogenetic location: 12p13.1.
Variant type: Deletion.
Coding change: c.174del on transcript NM_004064.5 (MANE Select); coding-DNA position 174, one base deleted (C; older notation c.174delC).
Protein change: p.Lys59fs; shifts the reading frame from lysine 59.
Molecular consequence: frameshift variant.
Genome position (GRCh38, 1-based): chr12:12,718,013, C deleted. VCF-style (leftmost placement, unchanged base first): chr12-12718012-GC-G. GRCh37 (hg19) VCF-style: chr12-12870946-GC-G.
Other names: short protein forms K59fs.
Identifiers: ClinVar variation 1075662 (VCV001075662.7), dbSNP rs2136355706, ClinGen allele CA2499221483.